The following is an entry in ClinVar:

ClinVar aggregate classification (germline): Uncertain significance (1 of 4 stars; one submission).

Conditions:
RYR1-related disorder. Also called: RYR1-related condition; RYR1-related disorders. Identifiers: MedGen CN239331.

Submission:

Labcorp Genetics (formerly Invitae), Labcorp
Classification: Uncertain significance for RYR1-related disorder. Last evaluated: 2025-03-18. Review status: criteria provided, single submitter. Criteria: Invitae Variant Classification Sherloc (09022015). Collection method: clinical testing. Allele origin: germline.
Comment: This sequence change replaces lysine, which is basic and polar, with threonine, which is neutral and polar, at codon 2916 of the RYR1 protein (p.Lys2916Thr). This variant is not present in population databases (gnomAD no frequency). This variant has not been reported in the literature in individuals affected with RYR1-related conditions. Invitae Evidence Modeling of protein sequence and biophysical properties (such as structural, functional, and spatial information, amino acid conservation, physicochemical variation, residue mobility, and thermodynamic stability) indicates that this missense variant is expected to disrupt RYR1 protein function with a positive predictive value of 80%. In summary, the available evidence is currently insufficient to determine the role of this variant in disease. Therefore, it has been classified as a Variant of Uncertain Significance.

NM_000540.3(RYR1):c.8747A>C (p.Lys2916Thr)

Gene: RYR1 (ryanodine receptor 1; plus strand). Cytogenetic location: 19q13.2.
Variant type: single nucleotide variant.
Coding change: c.8747A>C on transcript NM_000540.3 (MANE Select); coding-DNA position 8747, A replaced by C.
Protein change: p.Lys2916Thr; replaces lysine 2916 with threonine.
Molecular consequence: missense variant.
Genome position (GRCh38, 1-based): chr19:38,506,883, A>C. VCF-style: chr19-38506883-A-C. GRCh37 (hg19) VCF-style: chr19-38997523-A-C.
Other names: c.8747A>C, p.Lys2916Thr (NM_001042723.2); short protein forms K2916T.
Identifiers: ClinVar variation 4802127 (VCV004802127.1).